The following is an entry in ClinVar:

NM_032043.3(BRIP1):c.1543G>A (p.Glu515Lys)

Gene: BRIP1 (BRCA1 interacting DNA helicase 1; minus strand). Cytogenetic location: 17q23.2.
Variant type: single nucleotide variant.
Coding change: c.1543G>A on transcript NM_032043.3 (MANE Select); coding-DNA position 1543, G replaced by A.
Protein change: p.Glu515Lys; replaces glutamic acid 515 with lysine.
Molecular consequence: missense variant.
Genome position (GRCh38, 1-based): chr17:61,784,355, C>T on the plus strand (G>A on the coding strand, the complement: BRIP1 is on the minus strand). VCF-style: chr17-61784355-C-T. GRCh37 (hg19) VCF-style: chr17-59861716-C-T.
Other names: short protein forms E515K.
Identifiers: ClinVar variation 2944528 (VCV002944528.4), dbSNP rs2145138434, ClinGen allele CA400481226.
Genomic context (GRCh38, chr17:61,784,355, plus strand): 5'-CAAGTACCATAAAAAGTCCTTTAAGCATTATTTGAGTTGATGCACTAATAACAGGTACTT[C>T]TCTTGCCTCCTCTTTACCATAAATTGGTGAGATTTTTTCCTCTTTTTGAAGAACAGCAGA-3'
Protein context (NP_114432.2, residues 505-525): SPIYGKEEAR[Glu515Lys]VPVISASTQI

ClinVar aggregate classification (germline): Uncertain significance. Review status: criteria provided, multiple submitters, no conflicts (2 of 4 stars). 2 submissions from 2 submitters: Uncertain significance (2). Last evaluated 2024-12-21.

Conditions:
Hereditary cancer-predisposing syndrome. Also called: Neoplastic Syndromes, Hereditary; Tumor predisposition; Hereditary Cancer Syndrome; Hereditary neoplastic syndrome. Identifiers: Orphanet 140162, MedGen C0027672, MeSH D009386, MONDO:0015356.
Fanconi anemia complementation group J. Also called: BRIP1-Related Fanconi Anemia. Identifiers: Orphanet 84, MedGen C1836860, MONDO:0012187, OMIM 609054.
Familial cancer of breast. Also called: BREAST CANCER, FAMILIAL; Hereditary breast cancer; hereditary breast carcinoma. Identifiers: Orphanet 227535, MedGen C0346153, MONDO:0016419, OMIM 114480. Disease mechanism: loss of function.

Submissions (2):

Ambry Genetics
Classification: Uncertain significance for Hereditary cancer-predisposing syndrome. Last evaluated: 2024-12-21. Review status: criteria provided, single submitter. Criteria: Ambry Variant Classification Scheme 2023. Collection method: clinical testing. Allele origin: germline.
Comment: The p.E515K variant (also known as c.1543G>A), located in coding exon 10 of the BRIP1 gene, results from a G to A substitution at nucleotide position 1543. The glutamic acid at codon 515 is replaced by lysine, an amino acid with similar properties. This amino acid position is conserved. In addition, this alteration is predicted to be tolerated by in silico analysis. Based on the available evidence, the clinical significance of this variant remains unclear.

Labcorp Genetics (formerly Invitae), Labcorp
Classification: Uncertain significance for Familial cancer of breast; Fanconi anemia complementation group J. Last evaluated: 2023-02-20. Review status: criteria provided, single submitter. Criteria: Invitae Variant Classification Sherloc (09022015). Collection method: clinical testing. Allele origin: germline.
Comment: This variant has not been reported in the literature in individuals affected with BRIP1-related conditions. This variant is not present in population databases (gnomAD no frequency). This sequence change replaces glutamic acid, which is acidic and polar, with lysine, which is basic and polar, at codon 515 of the BRIP1 protein (p.Glu515Lys). In summary, the available evidence is currently insufficient to determine the role of this variant in disease. Therefore, it has been classified as a Variant of Uncertain Significance. Advanced modeling of protein sequence and biophysical properties (such as structural, functional, and spatial information, amino acid conservation, physicochemical variation, residue mobility, and thermodynamic stability) performed at Invitae indicates that this missense variant is not expected to disrupt BRIP1 protein function.